The following is an entry in ClinVar:

NM_002485.5(NBN):c.15G>C (p.Leu5=)

Gene: NBN (nibrin; minus strand). Cytogenetic location: 8q21.3.
Variant type: single nucleotide variant.
Coding change: c.15G>C on transcript NM_002485.5 (MANE Select); coding-DNA position 15, G replaced by C.
Protein change: p.Leu5=; no amino-acid change (leucine 5 retained).
Molecular consequence: synonymous variant. On other transcripts: 5 prime UTR variant (1).
Genome position (GRCh38, 1-based): chr8:89,984,547, C>G on the plus strand (G>C on the coding strand, the complement: NBN is on the minus strand). VCF-style: chr8-89984547-C-G. GRCh37 (hg19) VCF-style: chr8-90996775-C-G.
Other names: c.-282G>C (NM_001024688.3).
Identifiers: ClinVar variation 485917 (VCV000485917.14), dbSNP rs1363180098, ClinGen allele CA461831609.

ClinVar aggregate classification (germline): Likely benign. Review status: criteria provided, multiple submitters, no conflicts (2 of 4 stars). 3 submissions from 3 submitters: Likely benign (2). 1 of the submissions does not count toward it. Last evaluated 2023-12-13.

Conditions:
Hereditary cancer-predisposing syndrome. Also called: Tumor predisposition; Neoplastic Syndromes, Hereditary; Hereditary Cancer Syndrome; Hereditary neoplastic syndrome. Identifiers: Orphanet 140162, MedGen C0027672, MeSH D009386, MONDO:0015356.
Microcephaly, normal intelligence and immunodeficiency (NBS). Also called: BERLIN BREAKAGE SYNDROME; Ataxia telangiectasia variant V1; IMMUNODEFICIENCY, MICROCEPHALY, AND CHROMOSOMAL INSTABILITY; SEEMANOVA SYNDROME II; Immunodeficiency, microcephaly with normal intelligence; Nijmegen breakage syndrome. Identifiers: Orphanet 647, MedGen C0398791, MONDO:0009623, OMIM 251260.

Allele frequency attached by ClinVar (database versions not stated): gnomAD exomes 0.00001.
gnomAD v4.1: 8 of 1,613,208 alleles (0.0005%); highest among the groups gnomAD compares: South Asian, 0.0088%; no homozygotes.

Submissions (3):

Labcorp Genetics (formerly Invitae), Labcorp
Classification: Likely benign for Microcephaly, normal intelligence and immunodeficiency. Last evaluated: 2023-12-13. Review status: criteria provided, single submitter. Criteria: Invitae Variant Classification Sherloc (09022015). Collection method: clinical testing. Allele origin: germline.

Ambry Genetics
Classification: Likely benign for Hereditary cancer-predisposing syndrome. Last evaluated: 2016-08-29. Review status: criteria provided, single submitter. Criteria: Ambry Variant Classification Scheme 2023. Collection method: clinical testing. Allele origin: germline.

Department of Pathology and Laboratory Medicine, Sinai Health System
Classification: Likely benign. Review status: no assertion criteria provided. Collection method: clinical testing. Allele origin: unknown. Affected: yes. Observed: 1 variant allele. Study: The Canadian Open Genetics Repository (COGR). Not counted in ClinVar's aggregate classification.
Comment: The NBN p.Leu5= variant was not identified in the literature nor was it identified in the dbSNP, ClinVar, Clinvitae, Cosmic, LOVD 3.0, Zhejiang Colon Cancer Database, databases. The variant was identified in control databases in 1 of 240732 chromosomes at a frequency of 0.000004 in South Asian population in 1 of 30730 chromosomes (freq: 0.00003) increasing the likelihood that this may be a low frequency variant in certain populations of origin (Genome Aggregation Consortium Feb 27, 2017). The p.Leu5Leu variant is not expected to have clinical significance because it does not result in a change of amino acid and is not located in a known consensus splice site. In addition, in silico or computational prediction software programs (SpliceSiteFinder, MaxEntScan, NNSPLICE, GeneSplicer, HumanSpliceFinder) do not predict a difference in splicing. In summary, based on the above information the clinical significance of this variant cannot be determined with certainty at this time although we would lean towards a more benign role for this variant. This variant is classified as likely benign.